The following is an entry in ClinVar:

NM_000702.4(ATP1A2):c.*1629T>C

Gene: ATP1A2 (ATPase Na+/K+ transporting subunit alpha 2; plus strand). Cytogenetic location: 1q23.2.
Variant type: single nucleotide variant.
Coding change: c.*1629T>C on transcript NM_000702.4 (MANE Select); 1629 bases downstream of the stop codon, T replaced by C.
Molecular consequence: 3 prime UTR variant.
Genome position (GRCh38, 1-based): chr1:160,142,951, T>C. VCF-style: chr1-160142951-T-C. GRCh37 (hg19) VCF-style: chr1-160112741-T-C.
Identifiers: ClinVar variation 293179 (VCV000293179.6), dbSNP rs1046995, ClinGen allele CA10608486.

ClinVar aggregate classification (germline): Benign. Review status: criteria provided, multiple submitters, no conflicts (2 of 4 stars). 3 submissions from 2 submitters: Benign (3). Last evaluated 2018-01-13.

Conditions:
Alternating hemiplegia of childhood 1 (AHC1). Identifiers: Orphanet 2131, MedGen C3549447, MONDO:0007087, OMIM 104290.
Migraine, familial hemiplegic, 2. Identifiers: Orphanet 569, MedGen C1865322, MONDO:0011232, OMIM 602481.

Allele frequency attached by ClinVar (database versions not stated): gnomAD exomes 0.18182; 1000 Genomes Project 0.21286; 1000 Genomes Project 30x 0.21393; TOPMed 0.21594; gnomAD 0.21680 and 0.21688.
gnomAD v4.1: 33,047 of 152,198 alleles (22%); highest among the groups gnomAD compares: South Asian, 28%; 3,673 homozygotes.

Submissions (3):

Illumina Laboratory Services, Illumina
Classification: Benign for Migraine, familial hemiplegic, 2. Last evaluated: 2018-01-13. Review status: criteria provided, single submitter. Criteria: ICSL Variant Classification Criteria 13 December 2019. Collection method: clinical testing. Allele origin: germline.
Comment: This variant was observed in the ICSL laboratory as part of a predisposition screen in an ostensibly healthy population. It had not been previously curated by ICSL or reported in the Human Gene Mutation Database (HGMD: prior to June 1st, 2018), and was therefore a candidate for classification through an automated scoring system. Utilizing variant allele frequency, disease prevalence and penetrance estimates, and inheritance mode, an automated score was calculated to assess if this variant is too frequent to cause the disease. Based on the score and internal cut-off values, a variant classified as benign is not then subjected to further curation. The score for this variant resulted in a classification of benign for this disease.

Illumina Laboratory Services, Illumina
Classification: Benign for Alternating hemiplegia of childhood 1. Last evaluated: 2018-01-13. Review status: criteria provided, single submitter. Criteria: ICSL Variant Classification Criteria 13 December 2019. Collection method: clinical testing. Allele origin: germline.
Comment: the same text as in the submission from Illumina Laboratory Services, Illumina above.

Breakthrough Genomics
Classification: Benign. Review status: criteria provided, single submitter. Criteria: ACMG Guidelines, 2015. Collection method: not provided. Allele origin: germline. Inheritance: Autosomal recessive inheritance. Affected: yes.